The following is an entry in ClinVar:

NM_138477.4(CDAN1):c.2592_2596dup (p.Val866fs)

Gene: CDAN1 (codanin 1; minus strand). Cytogenetic location: 15q15.2.
Variant type: Duplication.
Coding change: c.2592_2596dup on transcript NM_138477.4 (MANE Select); coding-DNA positions 2592 to 2596, 5 bases duplicated (GACCG; older notation c.2592_2596dupGACCG).
Protein change: p.Val866fs; shifts the reading frame from valine 866.
Molecular consequence: frameshift variant.
Genome position (GRCh38, 1-based): chr15:42,729,072-42,729,076, CGGTC duplicated on the plus strand (GACCG on the coding strand, the reverse complement: CDAN1 is on the minus strand); duplicating any 5 consecutive bases within chr15:42,729,072-42,729,079 gives the same sequence; the c. name uses the placement nearest the transcript's 3' end. VCF-style (leftmost placement, unchanged base first): chr15-42729071-A-ACGGTC. GRCh37 (hg19) VCF-style: chr15-43021269-A-ACGGTC.
Other names: c.2592_2596dup, p.Val866fs (LRG_1164t1); short protein forms V866fs.
Identifiers: ClinVar variation 632231 (VCV000632231.5), dbSNP rs1296421769, ClinGen allele CA618002288.

ClinVar aggregate classification (germline): Uncertain significance (1 of 4 stars; one submission).

Submission:

GeneDx
Classification: Uncertain significance. Last evaluated: 2019-06-06. Review status: criteria provided, single submitter. Criteria: GeneDx Variant Classification Process June 2021. Collection method: clinical testing. Allele origin: germline. Affected: yes.
Comment: Frameshift variant predicted to result in protein truncation or nonsense mediated decay in a gene for which loss-of-function is a known mechanism of disease; Has not been previously published as pathogenic or benign to our knowledge